The following is an entry in ClinVar:

NM_005359.6(SMAD4):c.1287C>G (p.Ile429Met)

Gene: SMAD4 (SMAD family member 4; plus strand). Cytogenetic location: 18q21.2.
Variant type: single nucleotide variant.
Coding change: c.1287C>G on transcript NM_005359.6 (MANE Select); coding-DNA position 1287, C replaced by G.
Protein change: p.Ile429Met; replaces isoleucine 429 with methionine.
Molecular consequence: missense variant.
Genome position (GRCh38, 1-based): chr18:51,067,166, C>G. VCF-style: chr18-51067166-C-G. GRCh37 (hg19) VCF-style: chr18-48593536-C-G.
Other names: short protein forms I429M.
Identifiers: ClinVar variation 529930 (VCV000529930.10), dbSNP rs1555686621, ClinGen allele CA402465038.

ClinVar aggregate classification (germline): Uncertain significance (1 of 4 stars; one submission).

Conditions:
Juvenile polyposis syndrome (JPS). Identifiers: Orphanet 2929, MedGen C0345893, MONDO:0017380, OMIM 174900.

Submission:

Labcorp Genetics (formerly Invitae), Labcorp
Classification: Uncertain significance for Juvenile polyposis syndrome. Last evaluated: 2017-11-28. Review status: criteria provided, single submitter. Criteria: Invitae Variant Classification Sherloc (09022015). Collection method: clinical testing. Allele origin: germline.
Comment: This sequence change replaces isoleucine with methionine at codon 429 of the SMAD4 protein (p.Ile429Met). The isoleucine residue is highly conserved and there is a small physicochemical difference between isoleucine and methionine. This variant is not present in population databases (ExAC no frequency). This variant has not been reported in the literature in individuals with SMAD4-related disease. Algorithms developed to predict the effect of missense changes on protein structure and function do not agree on the potential impact of this missense change (SIFT: "Deleterious"; PolyPhen-2: "Probably Damaging"; Align-GVGD: "Class C0"). Algorithms developed to predict the effect of sequence changes on RNA splicing suggest that this variant may create or strengthen a splice site, but this prediction has not been confirmed by published transcriptional studies. In summary, the available evidence is currently insufficient to determine the role of this variant in disease. Therefore, it has been classified as a Variant of Uncertain Significance.